The following is an entry in ClinVar:

NM_001267550.2(TTN):c.67191del (p.Arg22398fs)

Genes: TTN (titin; minus strand), TTN-AS1 (TTN antisense RNA 1; plus strand). Cytogenetic location: 2q31.2.
Variant type: Deletion.
Coding change: c.67191del on transcript NM_001267550.2 (MANE Select); coding-DNA position 67191, one base deleted (G; older notation c.67191delG).
Protein change: p.Arg22398fs; shifts the reading frame from arginine 22398.
Molecular consequence: frameshift variant.
Genome position (GRCh38, 1-based): chr2:178,580,096, C deleted on the plus strand (G on the coding strand, the reverse complement: TTN is on the minus strand). VCF-style (leftmost placement, unchanged base first): chr2-178580095-TC-T. GRCh37 (hg19) VCF-style: chr2-179444822-TC-T.
Other names: c.62268del, p.Arg20757fs (NM_001256850.1); c.39996del, p.Arg13333fs (NM_003319.4); c.59487del, p.Arg19830fs (NM_133378.4); c.40371del, p.Arg13458fs (NM_133432.3); c.40572del, p.Arg13525fs (NM_133437.4); short protein forms R13525fs, R20757fs, R13333fs, R13458fs, R19830fs, R22398fs.
Identifiers: ClinVar variation 2013944 (VCV002013944.4), dbSNP rs2468912617, ClinGen allele CA2580064651.

ClinVar aggregate classification (germline): Likely pathogenic (1 of 4 stars; one submission).

Conditions:
Autosomal recessive limb-girdle muscular dystrophy type 2J (LGMDR10). Also called: Limb-girdle muscular dystrophy, type 2J; MUSCULAR DYSTROPHY, LIMB-GIRDLE, AUTOSOMAL RECESSIVE 10. Identifiers: Orphanet 140922, MedGen C1837342, MONDO:0012127, OMIM 608807.
Dilated cardiomyopathy 1G (CMD1G). Identifiers: Orphanet 154, MedGen C1858763, MONDO:0011400, OMIM 604145.

Submission:

Labcorp Genetics (formerly Invitae), Labcorp
Classification: Likely pathogenic for Dilated cardiomyopathy 1G; Autosomal recessive limb-girdle muscular dystrophy type 2J. Last evaluated: 2023-02-22. Review status: criteria provided, single submitter. Criteria: Invitae Variant Classification Sherloc (09022015). Collection method: clinical testing. Allele origin: germline.
Comment: This sequence change creates a premature translational stop signal (p.Arg22398Glyfs*7) in the TTN gene. While this is not anticipated to result in nonsense mediated decay, it is expected to create a truncated TTN protein. This variant is not present in population databases (gnomAD no frequency). This variant has not been reported in the literature in individuals affected with TTN-related conditions. This variant is located in the A band of TTN (PMID: 25589632). Truncating variants in this region are significantly overrepresented in patients affected with dilated cardiomyopathy (PMID: 25589632). Truncating variants in this region have also been reported in individuals affected with autosomal recessive centronuclear myopathy (PMID: 23975875). In summary, the currently available evidence indicates that the variant is pathogenic, but additional data are needed to prove that conclusively. Therefore, this variant has been classified as Likely Pathogenic.

Literature cited by the submitters: PubMed 25589632; PubMed 23975875.